The following is an entry in ClinVar:

ClinVar aggregate classification (germline): Benign/Likely benign. Review status: criteria provided, multiple submitters, no conflicts (2 of 4 stars). 3 submissions from 3 submitters: Benign (1); Likely benign (2). Last evaluated 2025-08-12.

Conditions:
Familial melanoma. Also called: Hereditary melanoma; Hereditary cutaneous melanoma. Identifiers: Orphanet 618, MedGen C1512419, MONDO:0018961.
Hereditary cancer-predisposing syndrome. Also called: Neoplastic Syndromes, Hereditary; Hereditary Cancer Syndrome; Tumor predisposition; Hereditary neoplastic syndrome. Identifiers: Orphanet 140162, MedGen C0027672, MeSH D009386, MONDO:0015356.
Melanoma-pancreatic cancer syndrome. Identifiers: Orphanet 404560, MedGen C1838547, MONDO:0011713, OMIM 606719. Disease mechanism: loss of function.

Allele frequency attached by ClinVar (database versions not stated): ExAC 0.00001; gnomAD exomes 0.00001 and 0.00002.
gnomAD v4.1: 5 of 1,606,648 alleles (0.00031%); highest among the groups gnomAD compares: Admixed American, 0.0067%; no homozygotes.

Submissions (3):

Myriad Genetics, Inc.
Classification: Benign for Melanoma-pancreatic cancer syndrome. Last evaluated: 2025-08-12. Review status: criteria provided, single submitter. Criteria: Myriad Autosomal Dominant, Autosomal Recessive and X-Linked Classification Criteria (2023). Collection method: clinical testing. Allele origin: unknown.
Comment: This variant is considered benign. This variant is a silent/synonymous amino acid change and it is not expected to impact splicing.

Labcorp Genetics (formerly Invitae), Labcorp
Classification: Likely benign for Familial melanoma. Last evaluated: 2021-03-12. Review status: criteria provided, single submitter. Criteria: Invitae Variant Classification Sherloc (09022015). Collection method: clinical testing. Allele origin: germline.

Ambry Genetics
Classification: Likely benign for Hereditary cancer-predisposing syndrome. Last evaluated: 2019-12-22. Review status: criteria provided, single submitter. Criteria: Ambry Variant Classification Scheme 2023. Collection method: clinical testing. Allele origin: germline.

NM_058195.4(CDKN2A):c.84G>C (p.Pro28=)

Gene: CDKN2A (cyclin dependent kinase inhibitor 2A; minus strand). Cytogenetic location: 9p21.3.
Variant type: single nucleotide variant.
Coding change: c.84G>C on transcript NM_058195.4 (MANE Plus Clinical); coding-DNA position 84, G replaced by C.
Protein change: p.Pro28=; no amino-acid change (proline 28 retained).
Molecular consequence: synonymous variant. On other transcripts: intron variant (1).
Genome position (GRCh38, 1-based): chr9:21,994,248, C>G on the plus strand (G>C on the coding strand, the complement: CDKN2A is on the minus strand). VCF-style: chr9-21994248-C-G. GRCh37 (hg19) VCF-style: chr9-21994247-C-G.
Other names: c.-4+573G>C (NM_001363763.2).
Identifiers: ClinVar variation 463520 (VCV000463520.10), dbSNP rs751027808, ClinGen allele CA5012392.